The following is an entry in ClinVar:

ClinVar aggregate classification (germline): Uncertain significance (1 of 4 stars; one submission).

Conditions:
Microcephaly, normal intelligence and immunodeficiency (NBS). Also called: Nijmegen breakage syndrome; Microcephaly with normal intelligence immunodeficiency and lymphoreticular malignancies; Nonsyndromal microcephaly autosomal recessive with normal intelligence; Seemanova syndrome 2; Ataxia telangiectasia variant V1; BERLIN BREAKAGE SYNDROME. Identifiers: Orphanet 647, MedGen C0398791, MONDO:0009623, OMIM 251260.

Submission:

Labcorp Genetics (formerly Invitae), Labcorp
Classification: Uncertain significance for Microcephaly, normal intelligence and immunodeficiency. Last evaluated: 2019-03-17. Review status: criteria provided, single submitter. Criteria: Invitae Variant Classification Sherloc (09022015). Collection method: clinical testing. Allele origin: germline.
Comment: This variant results in a copy number gain of the genomic region encompassing exons 1-13 of the NBN gene. The 5' end of this event is unknown as it extends beyond the assayed region for this gene and therefore may encompass additional genes. The 3' boundary is likely confined to intron 13 of the NBN gene. As the precise location of this event is unknown, it may be in tandem or it may be located elsewhere in the genome. This variant has not been reported in the literature in individuals with NBN-related conditions. Experimental studies are not available for this variant, and the functional significance of a copy number gain of these exons is currently unknown. In summary, the available evidence is currently insufficient to determine the role of this variant in disease. Therefore, it has been classified as a Variant of Uncertain Significance.

NC_000008.11:g.(?_89946130)_(89984571_?)dup

Gene: NBN (nibrin; minus strand). Cytogenetic location: 8q21.3.
Variant type: Duplication.
Identifiers: ClinVar variation 830883 (VCV000830883.1).